The following is an entry in ClinVar:

ClinVar aggregate classification (germline): Pathogenic (1 of 4 stars; one submission).

Conditions:
Familial thoracic aortic aneurysm and aortic dissection (TAAD). Also called: Thoracic aortic aneurysms and dissections. Identifiers: Orphanet 91387, MedGen C4707243, MONDO:0019625.

Submission:

Ambry Genetics
Classification: Pathogenic for Familial thoracic aortic aneurysm and aortic dissection. Last evaluated: 2020-12-22. Review status: criteria provided, single submitter. Criteria: Ambry Variant Classification Scheme 2023. Collection method: clinical testing. Allele origin: germline.
Comment: The c.2783delA pathogenic mutation, located in coding exon 23 of the FBN1 gene, results from a deletion of one nucleotide at nucleotide position 2783, causing a translational frameshift with a predicted alternate stop codon (p.N928Tfs*14). This alteration is expected to result in loss of function by premature protein truncation or nonsense-mediated mRNA decay. As such, this alteration is interpreted as a disease-causing mutation.

NM_000138.5(FBN1):c.2783del (p.Asn928fs)

Gene: FBN1 (fibrillin 1; minus strand). Cytogenetic location: 15q21.1.
Variant type: Deletion.
Coding change: c.2783del on transcript NM_000138.5 (MANE Select); coding-DNA position 2783, one base deleted (A; older notation c.2783delA).
Protein change: p.Asn928fs; shifts the reading frame from asparagine 928.
Molecular consequence: frameshift variant.
Genome position (GRCh38, 1-based): chr15:48,492,532, T deleted on the plus strand (A on the coding strand, the reverse complement: FBN1 is on the minus strand); the first of 2 consecutive T bases (chr15:48,492,532-48,492,533); deleting either gives the same sequence. VCF-style (leftmost placement, unchanged base first): chr15-48492531-GT-G. GRCh37 (hg19) VCF-style: chr15-48784728-GT-G.
Other names: c.2782delA, p.Asn928Thrfs (NM_001406716.1); c.2783delA (NM_000138.4); short protein forms N928fs.
Identifiers: ClinVar variation 1795962 (VCV001795962.2), dbSNP rs2505564594, ClinGen allele CA2580089592.